The following is an entry in ClinVar:

ClinVar aggregate classification (germline): Likely pathogenic. Review status: criteria provided, single submitter (1 of 4 stars). 2 submissions from 2 submitters: Likely pathogenic (1). 1 of the submissions does not count toward it. Last evaluated 2025-10-14.

Conditions:
Dilated cardiomyopathy 1G (CMD1G). Identifiers: Orphanet 154, MedGen C1858763, MONDO:0011400, OMIM 604145.

Submissions (2):

Variantyx, Inc.
Classification: Likely pathogenic for Dilated cardiomyopathy 1G. Last evaluated: 2025-10-14. Review status: criteria provided, single submitter. Criteria: Variantyx Assertion Criteria 2022. Collection method: clinical testing. Allele origin: germline. Inheritance: Autosomal dominant inheritance. Affected: yes.
Comment: This is a nonsense variant in the TTN gene (OMIM: 188840). Pathogenic variants in this gene have been associated with autosomal dominant dilated cardiomyopathy 1G. This variant introduces a premature termination codon in exon 257 out of 363. It is located within the A band of the titin protein, where the majority of truncating pathogenic variants associated with dilated cardiomyopathy have been reported. This variant is expected to result in loss of function, which is a known disease mechanism for TTN in this disorder (PMID: 27869827, 33226272)(PVS1). This variant is absent from control populations (PM2). Based on the current evidence, this variant is classified as likely pathogenic for autosomal dominant dilated cardiomyopathy 1G.

deCODE genetics, Amgen
Classification: Likely pathogenic for Dilated cardiomyopathy 1G. Last evaluated: 2023-07-21. Review status: no assertion criteria provided. Collection method: research. Allele origin: germline. Affected: yes. Observed: 1 variant allele. Not counted in ClinVar's aggregate classification.
Comment: The variant NM_001267550.2:c.48305G>A (chr2:178616486) in TTN was detected in 1 heterozygote out of 58K WGS Icelanders (MAF= 0,001%). This variant has not been reported in ClinVar previously. Based on ACMG criteria (PVS1, PM2) this variant classifies as likely pathogenic.

Literature cited by the submitters: PubMed 27869827 (cited by Variantyx, Inc.); PubMed 33226272 (cited by Variantyx, Inc.).

NM_001267550.2(TTN):c.48305G>A (p.Trp16102Ter)

Genes: TTN (titin; minus strand), TTN-AS1 (TTN antisense RNA 1; plus strand). Cytogenetic location: 2q31.2.
Variant type: single nucleotide variant.
Coding change: c.48305G>A on transcript NM_001267550.2 (MANE Select); coding-DNA position 48305, G replaced by A.
Protein change: p.Trp16102Ter; replaces tryptophan 16102 with a stop codon.
Molecular consequence: nonsense.
Genome position (GRCh38, 1-based): chr2:178,616,486, C>T on the plus strand (G>A on the coding strand, the complement: TTN is on the minus strand). VCF-style: chr2-178616486-C-T. GRCh37 (hg19) VCF-style: chr2-179481213-C-T.
Other names: c.43382G>A, p.Trp14461Ter (NM_001256850.1); c.21110G>A, p.Trp7037Ter (NM_003319.4); c.40601G>A, p.Trp13534Ter (NM_133378.4); c.21485G>A, p.Trp7162Ter (NM_133432.3); c.21686G>A, p.Trp7229Ter (NM_133437.4); short protein forms W13534*, W14461*, W16102*, W7037*, W7162*, W7229*.
Identifiers: ClinVar variation 2574052 (VCV002574052.2), dbSNP rs2057370325, ClinGen allele CA349611367.
Genomic context (GRCh38, chr2:178,616,486, plus strand): 5'-GGATTTCCCCTACTCTCATTTTTGGCATTGATGCAGTGCTGCTCAAAACTCACTTTAGTC[C>T]ATGTTTTCCGGCTGACTTCTCGTTTTTCAACAACGTATCCAGTTAACGGACTTCCTCCAT-3'